The following is an entry in ClinVar:

ClinVar aggregate classification (germline): Uncertain significance (1 of 4 stars; one submission).

Conditions:
Tuberous sclerosis 1 (TSC1). Identifiers: Orphanet 805, MedGen C1854465, MONDO:0008612, OMIM 191100.

Submission:

Labcorp Genetics (formerly Invitae), Labcorp
Classification: Uncertain significance for Tuberous sclerosis 1. Last evaluated: 2023-11-08. Review status: criteria provided, single submitter. Criteria: Invitae Variant Classification Sherloc (09022015). Collection method: clinical testing. Allele origin: unknown.
Comment: This variant results in a copy number gain of the genomic region encompassing exon(s) 15-23 of the TSC1 gene. This region includes the termination codon of the gene. This copy number gain extends beyond the assayed region for this gene and therefore may encompass additional genes. As the precise location of this event is unknown, it may be in tandem or it may be located elsewhere in the genome. This variant has not been reported in the literature in individuals affected with TSC1-related conditions. Experimental studies and prediction algorithms are not available or were not evaluated, and the functional significance of this variant is currently unknown. In summary, the available evidence is currently insufficient to determine the role of this variant in disease. Therefore, it has been classified as a Variant of Uncertain Significance.

NC_000009.11:g.(?_135771622)_(135781536_?)dup

Gene: TSC1 (TSC complex subunit 1; minus strand). Cytogenetic location: 9q34.13.
Variant type: Duplication.
Identifiers: ClinVar variation 3245196 (VCV003245196.1).